The following is an entry in ClinVar:

ClinVar aggregate classification (germline): Benign/Likely benign. Review status: criteria provided, multiple submitters, no conflicts (2 of 4 stars). 9 submissions from 9 submitters: Benign (3); Likely benign (3). 3 of the submissions do not count toward it. Last evaluated 2026-02-03.

Conditions:
Hypertrophic cardiomyopathy 16. Identifiers: MedGen C3151204, MONDO:0013455, OMIM 613838.
Hypertrophic cardiomyopathy. Also called: HYPERTROPHIC MYOCARDIOPATHY. Identifiers: Orphanet 217569, MedGen C0007194, MeSH D002312, MONDO:0005045, HP:0001639.

Allele frequency attached by ClinVar (database versions not stated): gnomAD exomes 0.00054; ExAC 0.00064; ESP Exome Variant Server 0.00146; gnomAD 0.00177 and 0.00183; TOPMed 0.00213; 1000 Genomes Project 0.00359; 1000 Genomes Project 30x 0.00375.
gnomAD v4.1: 725 of 1,603,082 alleles (0.045%); highest among the groups gnomAD compares: African/African-American, 0.64%; 2 homozygotes.

Submissions (9):

Labcorp Genetics (formerly Invitae), Labcorp
Classification: Benign for Hypertrophic cardiomyopathy. Last evaluated: 2026-02-03. Review status: criteria provided, single submitter. Criteria: Invitae Variant Classification Sherloc (09022015). Collection method: clinical testing. Allele origin: germline.

Women's Health and Genetics/Laboratory Corporation of America, LabCorp
Classification: Benign. Last evaluated: 2025-06-02. Review status: criteria provided, single submitter. Criteria: LabCorp Variant Classification Summary - May 2015. Collection method: clinical testing. Allele origin: germline.

Blueprint Genetics
Classification: Likely benign. Last evaluated: 2024-08-12. Review status: criteria provided, single submitter. Criteria: ACMG Guidelines, 2015. Collection method: clinical testing. Allele origin: germline.

ARUP Laboratories, Molecular Genetics and Genomics, ARUP Laboratories
Classification: Likely benign for Hypertrophic cardiomyopathy 16. Last evaluated: 2023-11-28. Review status: criteria provided, single submitter. Criteria: ARUP Molecular Germline Variant Investigation Process 2024. Collection method: clinical testing. Allele origin: germline.

GeneDx
Classification: Benign. Last evaluated: 2014-06-04. Review status: criteria provided, single submitter. Criteria: GeneDx Variant Classification (06012015). Collection method: clinical testing. Allele origin: germline. Affected: yes.
Comment: This variant is considered likely benign or benign based on one or more of the following criteria: it is a conservative change, it occurs at a poorly conserved position in the protein, it is predicted to be benign by multiple in silico algorithms, and/or has population frequency not consistent with disease.

Breakthrough Genomics
Classification: Likely benign. Review status: criteria provided, single submitter. Criteria: ACMG Guidelines, 2015. Collection method: not provided. Allele origin: germline. Inheritance: Autosomal dominant inheritance. Affected: yes.

Clinical Genetics, Academic Medical Center
Classification: Benign. Review status: no assertion criteria provided. Collection method: clinical testing. Allele origin: germline. Affected: yes. Study: VKGL Data-share Consensus. Not counted in ClinVar's aggregate classification.

Diagnostic Laboratory, Department of Genetics, University Medical Center Groningen
Classification: Likely benign for Hypertrophic cardiomyopathy 16. Review status: no assertion criteria provided. Collection method: clinical testing. Allele origin: germline. Affected: yes. Study: VKGL Data-share Consensus. Not counted in ClinVar's aggregate classification.

Genome Diagnostics Laboratory, University Medical Center Utrecht
Classification: Likely benign. Review status: no assertion criteria provided. Collection method: clinical testing. Allele origin: germline. Affected: yes. Study: VKGL Data-share Consensus. Not counted in ClinVar's aggregate classification.

NM_016599.5(MYOZ2):c.76+20G>A

Gene: MYOZ2 (myozenin 2; plus strand). Cytogenetic location: 4q26.
Variant type: single nucleotide variant.
Coding change: c.76+20G>A on transcript NM_016599.5 (MANE Select); 20 bases into the intron after coding-DNA position 76, G replaced by A.
Molecular consequence: intron variant.
Genome position (GRCh38, 1-based): chr4:119,136,621, G>A. VCF-style: chr4-119136621-G-A. GRCh37 (hg19) VCF-style: chr4-120057776-G-A.
Identifiers: ClinVar variation 138410 (VCV000138410.21), dbSNP rs113920336, ClinGen allele CA292407.